The following is an entry in ClinVar:

ClinVar aggregate classification (germline): Uncertain significance (1 of 4 stars; one submission).

Submission:

Labcorp Genetics (formerly Invitae), Labcorp
Classification: Uncertain significance. Last evaluated: 2024-05-23. Review status: criteria provided, single submitter. Criteria: Invitae Variant Classification Sherloc (09022015). Collection method: clinical testing. Allele origin: germline.
Comment: This sequence change replaces alanine, which is neutral and non-polar, with valine, which is neutral and non-polar, at codon 138 of the HJV protein (p.Ala138Val). This variant is not present in population databases (gnomAD no frequency). This variant has not been reported in the literature in individuals affected with HJV-related conditions. An algorithm developed to predict the effect of missense changes on protein structure and function (PolyPhen-2) suggests that this variant is likely to be tolerated. In summary, the available evidence is currently insufficient to determine the role of this variant in disease. Therefore, it has been classified as a Variant of Uncertain Significance.

NM_213653.4(HJV):c.413C>T (p.Ala138Val)

Gene: HJV (hemojuvelin BMP co-receptor; minus strand). Cytogenetic location: 1q21.1.
Variant type: single nucleotide variant.
Coding change: c.413C>T on transcript NM_213653.4 (MANE Select); coding-DNA position 413, C replaced by T.
Protein change: p.Ala138Val; replaces alanine 138 with valine.
Molecular consequence: missense variant. On other transcripts: intron variant (3).
Genome position (GRCh38, 1-based): chr1:146,019,419, G>A on the plus strand (C>T on the coding strand, the complement: HJV is on the minus strand). VCF-style: chr1-146019419-G-A. GRCh37 (hg19) VCF-style: chr1-145415594-C-T.
Other names: c.-21-719C>T (NM_213652.4); c.-22+279C>T (NM_202004.4, NM_001316767.2); c.413C>T, p.Ala138Val (NM_001379352.1); c.74C>T, p.Ala25Val (NM_145277.5); short protein forms A25V, A138V.
Identifiers: ClinVar variation 3719063 (VCV003719063.2).